The following is an entry in ClinVar:

ClinVar aggregate classification (germline): Likely benign (1 of 4 stars; one submission).

Allele frequency attached by ClinVar (database versions not stated): ExAC 0.00311; TOPMed 0.00405; gnomAD exomes 0.00618; 1000 Genomes Project 0.00180; 1000 Genomes Project 30x 0.00234.
gnomAD v4.1: 9,066 of 1,530,634 alleles (0.59%); highest among the groups gnomAD compares: Non-Finnish European, 0.73%; 39 homozygotes.

Submission:

CeGaT Center for Human Genetics Tuebingen
Classification: Likely benign. Last evaluated: 2026-01-01. Review status: criteria provided, single submitter. Criteria: CeGaT Center For Human Genetics Tuebingen Variant Classification Criteria Version 2. Collection method: clinical testing. Allele origin: germline. Affected: yes. Observed: 3 variant alleles.
Comment: MUC12: BP4, BP7, BS2

NM_001164462.2(MUC12):c.13914A>G (p.Thr4638=)

Gene: MUC12 (mucin 12, cell surface associated; plus strand). Cytogenetic location: 7q22.1.
Variant type: single nucleotide variant.
Coding change: c.13914A>G on transcript NM_001164462.2 (MANE Select); coding-DNA position 13914, A replaced by G.
Protein change: p.Thr4638=; no amino-acid change (threonine 4638 retained).
Molecular consequence: synonymous variant.
Genome position (GRCh38, 1-based): chr7:101,004,477, A>G. VCF-style: chr7-101004477-A-G. GRCh37 (hg19) VCF-style: chr7-100647758-A-G.
Identifiers: ClinVar variation 2657826 (VCV002657826.24), dbSNP rs191069047, ClinGen allele CA4400394.